The following is an entry in ClinVar:

NM_130797.4(DPP6):c.627+21029G>A

Gene: DPP6 (dipeptidyl peptidase like 6; plus strand). Cytogenetic location: 7q36.2.
Variant type: single nucleotide variant.
Coding change: c.627+21029G>A on transcript NM_130797.4 (MANE Select); 21029 bases into the intron after coding-DNA position 627, G replaced by A.
Molecular consequence: genic downstream transcript variant. On other transcripts: missense variant (1), 3 prime UTR variant (1).
Genome position (GRCh38, 1-based): chr7:154,587,945, G>A. VCF-style: chr7-154587945-G-A. GRCh37 (hg19) VCF-style: chr7-154379655-G-A.
Other names: c.923G>A, p.Arg308His (NM_001290253.2); c.*771G>A (NM_001364502.2); c.444+21029G>A (NM_001364500.2, NM_001364499.2, NM_001364497.2 and 1 more transcripts); c.435+21029G>A (NM_001364501.2, NM_001039350.3); c.441+21029G>A (NM_001936.5, NM_001290252.2); short protein forms R308H.
Identifiers: ClinVar variation 2658256 (VCV002658256.24), dbSNP rs375756767, ClinGen allele CA4583205.

ClinVar aggregate classification (germline): Likely benign (1 of 4 stars; one submission).

Allele frequency attached by ClinVar (database versions not stated): ExAC 0.00008; gnomAD 0.00009; 1000 Genomes Project 30x 0.00016; ESP Exome Variant Server 0.00017; 1000 Genomes Project 0.00020.
gnomAD v4.1: 134 of 1,612,866 alleles (0.0083%); highest among the groups gnomAD compares: Middle Eastern, 0.017%; no homozygotes.

Submission:

CeGaT Center for Human Genetics Tuebingen
Classification: Likely benign. Last evaluated: 2022-03-01. Review status: criteria provided, single submitter. Criteria: CeGaT Center For Human Genetics Tuebingen Variant Classification Criteria Version 2. Collection method: clinical testing. Allele origin: germline. Affected: yes. Observed: 1 variant allele.
Comment: DPP6: BP4, BS2